The following is an entry in ClinVar:

ClinVar aggregate classification (germline): Uncertain significance. Review status: criteria provided, multiple submitters, no conflicts (2 of 4 stars). 2 submissions from 2 submitters: Uncertain significance (2). Last evaluated 2025-03-20.

Allele frequency attached by ClinVar (database versions not stated): gnomAD exomes 0.00002 and 0.00004; ExAC 0.00003; TOPMed 0.00006; gnomAD 0.00012 and 0.00013; 1000 Genomes Project 30x 0.00016; 1000 Genomes Project 0.00020.
gnomAD v4.1: 49 of 1,613,914 alleles (0.003%); highest among the groups gnomAD compares: African/African-American, 0.045%; no homozygotes.

Submissions (2):

Labcorp Genetics (formerly Invitae), Labcorp
Classification: Uncertain significance. Last evaluated: 2025-03-20. Review status: criteria provided, single submitter. Criteria: Invitae Variant Classification Sherloc (09022015). Collection method: clinical testing. Allele origin: germline.
Comment: This sequence change replaces arginine, which is basic and polar, with tryptophan, which is neutral and slightly polar, at codon 330 of the EFL1 protein (p.Arg330Trp). This variant is present in population databases (rs566346092, gnomAD 0.04%). This variant has not been reported in the literature in individuals affected with EFL1-related conditions. ClinVar contains an entry for this variant (Variation ID: 1431452). Invitae Evidence Modeling of protein sequence and biophysical properties (such as structural, functional, and spatial information, amino acid conservation, physicochemical variation, residue mobility, and thermodynamic stability) indicates that this missense variant is expected to disrupt EFL1 protein function with a positive predictive value of 80%. In summary, the available evidence is currently insufficient to determine the role of this variant in disease. Therefore, it has been classified as a Variant of Uncertain Significance.

GeneDx
Classification: Uncertain significance. Last evaluated: 2024-04-11. Review status: criteria provided, single submitter. Criteria: GeneDx Variant Classification Process June 2021. Collection method: clinical testing. Allele origin: germline. Affected: yes.
Comment: In silico analysis supports that this missense variant has a deleterious effect on protein structure/function; Has not been previously published as pathogenic or benign to our knowledge

NM_024580.6(EFL1):c.988C>T (p.Arg330Trp)

Gene: EFL1 (elongation factor like GTPase 1; minus strand). Cytogenetic location: 15q25.2.
Variant type: single nucleotide variant.
Coding change: c.988C>T on transcript NM_024580.6 (MANE Select); coding-DNA position 988, C replaced by T.
Protein change: p.Arg330Trp; replaces arginine 330 with tryptophan.
Molecular consequence: missense variant. On other transcripts: non-coding transcript variant (1).
Genome position (GRCh38, 1-based): chr15:82,228,272, G>A on the plus strand (C>T on the coding strand, the complement: EFL1 is on the minus strand). VCF-style: chr15-82228272-G-A. GRCh37 (hg19) VCF-style: chr15-82520613-G-A.
Other names: c.835C>T, p.Arg279Trp (NM_001040610.3); c.199C>T, p.Arg67Trp (NM_001322844.2); c.988C>T, p.Arg330Trp (NM_001322845.2); c.988C>T (NM_024580.5); short protein forms R279W, R67W, R330W.
Identifiers: ClinVar variation 1431452 (VCV001431452.8), dbSNP rs566346092, ClinGen allele CA7698127.
Genomic context (GRCh38, chr15:82,228,272, plus strand): 5'-GTAGCCACTGACTGCAAATGGCGTTGATCTGAACTTTAGGGTCTGAATGTCGTGCCTCCC[G>A]GGCTCCAATTTTTAATCCTAAAGAAGTCACTATTTTATCAATTTTGTCTTTGTCCCTGTG-3'
Protein context (NP_078856.4, residues 320-340): VTSLGLKIGA[Arg330Trp]EARHSDPKVQ